The following is an entry in ClinVar:

ClinVar aggregate classification (germline): Likely benign (1 of 4 stars; one submission).

Allele frequency attached by ClinVar (database versions not stated): 1000 Genomes Project 30x 0.00031; ESP Exome Variant Server 0.00031; TOPMed 0.00034; ExAC 0.00039; 1000 Genomes Project 0.00020; gnomAD 0.00029.
gnomAD v4.1: 469 of 1,613,948 alleles (0.029%); highest among the groups gnomAD compares: Admixed American, 0.025%; 2 homozygotes.

Submission:

CeGaT Center for Human Genetics Tuebingen
Classification: Likely benign. Last evaluated: 2022-11-01. Review status: criteria provided, single submitter. Criteria: CeGaT Center For Human Genetics Tuebingen Variant Classification Criteria Version 2. Collection method: clinical testing. Allele origin: germline. Affected: yes. Observed: 1 variant allele.
Comment: SLC35G5: BP4, BP7

NM_054028.2(SLC35G5):c.387C>T (p.Asn129=)

Genes: MTMR9 (myotubularin related protein 9), SLC35G5 (solute carrier family 35 member G5). Cytogenetic location: 8p23.1.
Variant type: single nucleotide variant.
Coding change: c.387C>T on transcript NM_054028.2 (MANE Select); coding-DNA position 387, C replaced by T.
Protein change: p.Asn129=; no amino-acid change (asparagine 129 retained).
Molecular consequence: synonymous variant.
Genome position (GRCh38, 1-based): chr8:11,331,493, C>T. VCF-style: chr8-11331493-C-T. GRCh37 (hg19) VCF-style: chr8-11189002-C-T.
Identifiers: ClinVar variation 2658402 (VCV002658402.24), dbSNP rs142134570, ClinGen allele CA4628964.
Genomic context (GRCh38, chr8:11,331,493, plus strand): 5'-GCTCAACGTCCTCAGCATTGGATGTGCCTACAGTGCAGTTCAGGTGGTGCCCGCTGGCAA[C>T]GCTGCCACTGTTCGCAAAGGTTCTTCCACCGTATGCTCCGCTGTCCTCACCCTCTGCCTT-3'
Protein context (NP_473369.1, residues 119-139): YSAVQVVPAG[Asn129=]AATVRKGSST